The following is an entry in ClinVar:

ClinVar aggregate classification (germline): Pathogenic/Likely pathogenic. Review status: criteria provided, multiple submitters, no conflicts (2 of 4 stars). 4 submissions from 4 submitters: Pathogenic (1); Likely pathogenic (3). Last evaluated 2025-08-25.

Conditions:
Mucopolysaccharidosis type 6 (MPS6). Also called: N-ACETYLGALACTOSAMINE-4-SULFATASE DEFICIENCY; MPS VI; ARSB DEFICIENCY; ARYLSULFATASE B DEFICIENCY; MPS 6; Maroteaux Lamy syndrome. Identifiers: Orphanet 583, MedGen C0026709, MONDO:0009661, OMIM 253200.

Submissions (4):

Natera, Inc.
Classification: Likely pathogenic for Mucopolysaccharidosis type VI. Last evaluated: 2025-08-25. Review status: criteria provided, single submitter. Criteria: Natera Variant Classification Schema (03/2026). Collection method: clinical testing. Allele origin: germline.
Comment: The c.1299dupT variant in ARSB is a frameshift variant predicted to shift the reading frame and introduce a stop codon. This variant is expected to result in nonsense mediated decay, truncation, or a dysfunctional protein product. This variant is rare in the general population with a frequency below the threshold expected for the associated phenotype(s). Given the available evidence, this variant is classified as Likely Pathogenic.

Labcorp Genetics (formerly Invitae), Labcorp
Classification: Pathogenic for Mucopolysaccharidosis type 6. Last evaluated: 2025-05-12. Review status: criteria provided, single submitter. Criteria: Invitae Variant Classification Sherloc (09022015). Collection method: clinical testing. Allele origin: germline.
Comment: This sequence change creates a premature translational stop signal (p.Arg434*) in the ARSB gene. While this is not anticipated to result in nonsense mediated decay, it is expected to disrupt the last 100 amino acid(s) of the ARSB protein. This variant is not present in population databases (gnomAD no frequency). This variant has not been reported in the literature in individuals affected with ARSB-related conditions. ClinVar contains an entry for this variant (Variation ID: 852181). This variant disrupts a region of the ARSB protein in which other variant(s) (p.Ser465*) have been determined to be pathogenic (PMID: 10036316, 17458871, 18486607). This suggests that this is a clinically significant region of the protein, and that variants that disrupt it are likely to be disease-causing. For these reasons, this variant has been classified as Pathogenic.

Baylor Genetics
Classification: Likely pathogenic for Mucopolysaccharidosis type 6. Last evaluated: 2023-10-03. Review status: criteria provided, single submitter. Criteria: ACMG Guidelines, 2015. Collection method: clinical testing. Allele origin: unknown.

Women's Health and Genetics/Laboratory Corporation of America, LabCorp
Classification: Likely pathogenic for Mucopolysaccharidosis type 6. Last evaluated: 2023-03-27. Review status: criteria provided, single submitter. Criteria: LabCorp Variant Classification Summary - May 2015. Collection method: clinical testing. Allele origin: germline.
Comment: Variant summary: ARSB c.1299dupT (p.Arg434X) results in a premature termination codon and is predicted to cause a truncation of the encoded protein, which is a commonly known mechanism for disease. Although the variant is not expected to cause absense of the protein through nonsense mediated decay, this variant is predicted to disrupt the last 100 amino acids in the protein sequence. Truncations downstream of this position have been classified as pathogenic by our laboratory. The variant was absent in 251424 control chromosomes (gnomAD). To our knowledge, no occurrence of c.1299dupT in individuals affected with Mucopolysaccharidosis Type VI (Maroteaux-Lamy Syndrome) and no experimental evidence demonstrating its impact on protein function have been reported. One ClinVar submitter has assessed the variant since 2014: the variant was classified as pathogenic. Based on the evidence outlined above, the variant was classified as likely pathogenic.

Literature cited by the submitters: PubMed 10036316 (cited by Labcorp Genetics (formerly Invitae), Labcorp); PubMed 17458871 (cited by Labcorp Genetics (formerly Invitae), Labcorp); PubMed 18486607 (cited by Labcorp Genetics (formerly Invitae), Labcorp).

NM_000046.5(ARSB):c.1299dup (p.Arg434Ter)

Gene: ARSB (arylsulfatase B; minus strand). Cytogenetic location: 5q14.1.
Variant type: Duplication.
Coding change: c.1299dup on transcript NM_000046.5 (MANE Select); coding-DNA position 1299, one base duplicated (T; older notation c.1299dupT).
Protein change: p.Arg434Ter; replaces arginine 434 with a stop codon.
Molecular consequence: nonsense.
Genome position (GRCh38, 1-based): chr5:78,781,889, A duplicated on the plus strand (T on the coding strand, the reverse complement: ARSB is on the minus strand); the first of 2 consecutive A bases (chr5:78,781,889-78,781,890); duplicating either gives the same sequence. VCF-style (leftmost placement, unchanged base first): chr5-78781888-T-TA. GRCh37 (hg19) VCF-style: chr5-78077711-T-TA.
Other names: c.1299dupT (NM_000046.4, NM_000046.3); short protein forms R434*.
Identifiers: ClinVar variation 852181 (VCV000852181.12), dbSNP rs1355071930, ClinGen allele CA814257050.